The following is an entry in ClinVar:

ClinVar aggregate classification (germline): Uncertain significance (1 of 4 stars; one submission).

Conditions:
Inborn genetic diseases. Identifiers: MedGen C0950123, MeSH D030342.

Allele frequency attached by ClinVar (database versions not stated): gnomAD 0.00002; TOPMed 0.00002.
gnomAD v4.1: 20 of 1,614,040 alleles (0.0012%); highest among the groups gnomAD compares: Middle Eastern, 0.016%; no homozygotes.

Submission:

Ambry Genetics
Classification: Uncertain significance for Inborn genetic diseases. Last evaluated: 2021-01-13. Review status: criteria provided, single submitter. Criteria: Ambry Variant Classification Scheme 2023. Collection method: clinical testing. Allele origin: germline.
Comment: The c.589C>T (p.R197W) alteration is located in exon 5 (coding exon 5) of the NAXE gene. This alteration results from a C to T substitution at nucleotide position 589, causing the arginine (R) at amino acid position 197 to be replaced by a tryptophan (W). The in silico prediction for the p.R197W alteration is inconclusive. Based on insufficient or conflicting evidence, the clinical significance of this alteration remains unclear.

NM_144772.3(NAXE):c.589C>T (p.Arg197Trp)

Gene: NAXE (NAD(P)HX epimerase; plus strand). Cytogenetic location: 1q22.
Variant type: single nucleotide variant.
Coding change: c.589C>T on transcript NM_144772.3 (MANE Select); coding-DNA position 589, C replaced by T.
Protein change: p.Arg197Trp; replaces arginine 197 with tryptophan.
Molecular consequence: missense variant.
Genome position (GRCh38, 1-based): chr1:156,593,480, C>T. VCF-style: chr1-156593480-C-T. GRCh37 (hg19) VCF-style: chr1-156563272-C-T.
Other names: short protein forms R197W.
Identifiers: ClinVar variation 3177706 (VCV003177706.1), dbSNP rs781121474, ClinGen allele CA1162836.